The following is an entry in ClinVar:

ClinVar aggregate classification (germline): not provided (0 of 4 stars; one submission).

Conditions:
Normal pregnancy. Identifiers: MedGen C0232989.

Submission:

Institute of Molecular and Cell Biology, University of Tartu
No classification provided. Condition: Normal pregnancy. Review status: no classification provided. Collection method: case-control. Allele origin: unknown. Affected: yes. Study: Kasak2014.
Comment: The study aimed to determine the contribution of copy number variants in the genetic etiology of normal and complicated pregnancies. The samples represented (i) maternal blood DNA drawn from healthy pregnant women during 1st or 2nd trimester and (ii) maternal and paternal blood DNA drawn at term pregnancy cases representing normal and complicated gestations (severe preeclampsia, PE; gestational diabetes, GD; small-for-gestational age newborn, SGA; large-for-gestational age newborn, LGA). We performed CNV calling based on genome-wide genotyping dataset (Illumina HumanOmniExpress-24-v1 BeadChip) by applying three algorithms, QuantiSNP, GADA (Genome Alteration Detection Algorithm) and CNstream in parallel. The acquired CNV calls were merged with HD-CNV (Hotspot Detector for Copy Number Variants) program and only the CNVs predicted by at least two programs, were considered in subsequent analysis.

Literature cited by the submitters: PubMed 25666259.

NR_024561.1(HPN-AS1):n.-3335_43+9498del

Gene: HPN-AS1 (HPN antisense RNA 1; minus strand). Cytogenetic location: 19q13.11-13.12.
Variant type: Deletion.
Identifiers: ClinVar variation 157441 (VCV000157441.2).